The following is an entry in ClinVar:

NM_001709.5(BDNF):c.5C>T (p.Thr2Ile)

Genes: BDNF (brain derived neurotrophic factor; minus strand), BDNF-AS (BDNF antisense RNA; plus strand). Cytogenetic location: 11p14.1.
Variant type: single nucleotide variant.
Coding change: c.5C>T on transcript NM_001709.5 (MANE Select); coding-DNA position 5, C replaced by T.
Protein change: p.Thr2Ile; replaces threonine 2 with isoleucine.
Molecular consequence: missense variant.
Genome position (GRCh38, 1-based): chr11:27,658,560, G>A on the plus strand (C>T on the coding strand, the complement: BDNF is on the minus strand). VCF-style: chr11-27658560-G-A. GRCh37 (hg19) VCF-style: chr11-27680107-G-A.
Other names: c.5C>T, p.Thr2Ile (NM_001143805.1, NM_001143806.1, NM_001143807.2 and 9 more transcripts); c.92C>T, p.Thr31Ile (NM_001143809.2); c.251C>T, p.Thr84Ile (NM_001143810.2); c.29C>T, p.Thr10Ile (NM_170731.5); c.50C>T, p.Thr17Ile (NM_170734.4); c.251C>T (NM_001143810.1); short protein forms T2I, T10I, T31I, T17I, T84I.
Identifiers: ClinVar variation 17696 (VCV000017696.17), dbSNP rs8192466, ClinGen allele CA258058.

ClinVar aggregate classification (germline): Conflicting classifications of pathogenicity. Review status: criteria provided, conflicting classifications (1 of 4 stars). 6 submissions from 6 submitters: Uncertain significance (3); Likely benign (1). 2 of the submissions do not count toward it. Last evaluated 2026-01-15.

Conditions:
BDNF-related disorder. Also called: BDNF-related condition.
Obesity. Also called: Obesity disorder. Identifiers: Orphanet 71529, MedGen C0028754, MeSH D009765, MONDO:0011122, HP:0001513.
Congenital central hypoventilation. Also called: Congenital Central Hypoventilation Syndrome. Identifiers: Orphanet 661, Orphanet 99803, MedGen C1275808, MONDO:0800031. Disease mechanism: gain of function.

Allele frequency attached by ClinVar (database versions not stated): 1000 Genomes Project 30x 0.00062; 1000 Genomes Project 0.00080; TOPMed 0.00154.
gnomAD v4.1: 3,565 of 1,614,178 alleles (0.22%); highest among the groups gnomAD compares: Middle Eastern, 0.38%; 7 homozygotes.

Submissions (6):

Labcorp Genetics (formerly Invitae), Labcorp
Classification: Likely benign. Last evaluated: 2026-01-15. Review status: criteria provided, single submitter. Criteria: Invitae Variant Classification Sherloc (09022015). Collection method: clinical testing. Allele origin: germline.

Mendelics
Classification: Uncertain significance for Inherited obesity. Last evaluated: 2019-05-28. Review status: criteria provided, single submitter. Criteria: Mendelics Assertion Criteria 2017. Collection method: clinical testing. Allele origin: unknown.

Genomic Research Center, Shahid Beheshti University of Medical Sciences
Classification: Uncertain significance. Last evaluated: 2019-04-27. Review status: criteria provided, single submitter. Criteria: ACMG Guidelines, 2015. Collection method: clinical testing. Allele origin: unknown. Affected: no.

Breakthrough Genomics
Classification: Uncertain significance. Review status: criteria provided, single submitter. Criteria: ACMG Guidelines, 2015. Collection method: not provided. Allele origin: germline. Inheritance: Unknown mechanism. Affected: yes.

PreventionGenetics, part of Exact Sciences
Classification: Likely benign for BDNF-related condition. Last evaluated: 2022-02-01. Review status: no assertion criteria provided. Collection method: clinical testing. Allele origin: germline. Not counted in ClinVar's aggregate classification.
Comment: This variant is classified as likely benign based on ACMG/AMP sequence variant interpretation guidelines (Richards et al. 2015 PMID: 25741868, with internal and published modifications).

OMIM
Classification: Uncertain significance for RECLASSIFIED - VARIANT OF UNKNOWN SIGNIFICANCE. Last evaluated: 2002-02-01. Review status: no assertion criteria provided. Collection method: literature only. Allele origin: germline. Not counted in ClinVar's aggregate classification.

Literature cited by the submitters: Hamosh, A. Personal Communication. 2018. Baltimore, Md. (cited by OMIM); PubMed 11840487 (cited by OMIM).